The following is an entry in ClinVar:

ClinVar aggregate classification (germline): Uncertain significance (1 of 4 stars; one submission).

Submission:

Dasa
Classification: Uncertain significance. Last evaluated: 2025-08-26. Review status: criteria provided, single submitter. Criteria: DASA Assertion Criteria. Collection method: clinical testing. Allele origin: germline.
Comment: NM_017780.4(CHD7):c.393T>G (p.Asn131Lys) is a missense variant that results in the substitution of asparagine with lysine. This variant is absent from population databases. Computational prediction algorithms are consistent with a benign effect. The currently available literature and clinical evidence are not sufficient to establish a definitive association between this variant and the reported condition. Therefore, this variant is classified as a variant of uncertain significance.

NM_017780.4(CHD7):c.393T>G (p.Asn131Lys)

Gene: CHD7 (chromodomain helicase DNA binding protein 7; plus strand). Cytogenetic location: 8q12.2.
Variant type: single nucleotide variant.
Coding change: c.393T>G on transcript NM_017780.4 (MANE Select); coding-DNA position 393, T replaced by G.
Protein change: p.Asn131Lys; replaces asparagine 131 with lysine.
Molecular consequence: missense variant.
Genome position (GRCh38, 1-based): chr8:60,741,825, T>G. VCF-style: chr8-60741825-T-G. GRCh37 (hg19) VCF-style: chr8-61654384-T-G.
Other names: c.393T>G, p.Asn131Lys (NM_001316690.1); short protein forms N131K.
Identifiers: ClinVar variation 4881425 (VCV004881425.2).